The following is an entry in ClinVar:

NM_000256.3(MYBPC3):c.607G>C (p.Val203Leu)

Gene: MYBPC3 (myosin binding protein C3; minus strand). Cytogenetic location: 11p11.2.
Variant type: single nucleotide variant.
Coding change: c.607G>C on transcript NM_000256.3 (MANE Select); coding-DNA position 607, G replaced by C.
Protein change: p.Val203Leu; replaces valine 203 with leucine.
Molecular consequence: missense variant.
Genome position (GRCh38, 1-based): chr11:47,349,821, C>G on the plus strand (G>C on the coding strand, the complement: MYBPC3 is on the minus strand). VCF-style: chr11-47349821-C-G. GRCh37 (hg19) VCF-style: chr11-47371372-C-G.
Other names: short protein forms V203L.
Identifiers: ClinVar variation 1751441 (VCV001751441.4), dbSNP rs1387071502, ClinGen allele CA380337528.
Genomic context (GRCh38, chr11:47,349,821, plus strand): 5'-CCGGTGGACCCACCTTGCTGGCGCGGTCGTAGCTGTCGTGCAGCTGCAGGTGCTGGCCCA[C>G]CTTGCTGCTCAGGTCCACCCATTTGCCCTTGAACCACTTGACCACAGGCGGCTTCAGGAG-3'
Protein context (NP_000247.2, residues 193-213): KGKWVDLSSK[Val203Leu]GQHLQLHDSY

ClinVar aggregate classification (germline): Uncertain significance. Review status: criteria provided, multiple submitters, no conflicts (2 of 4 stars). 3 submissions from 3 submitters: Uncertain significance (3). Last evaluated 2025-04-09.

Conditions:
Cardiovascular phenotype. Identifiers: MedGen CN230736.
Hypertrophic cardiomyopathy. Also called: HYPERTROPHIC MYOCARDIOPATHY. Identifiers: Orphanet 217569, MedGen C0007194, MeSH D002312, MONDO:0005045, HP:0001639.

Allele frequency attached by ClinVar (database versions not stated): gnomAD exomes below 0.00001.
gnomAD v4.1: 1 of 1,611,178 alleles (0.000062%); highest among the groups gnomAD compares: Non-Finnish European, 0.000085%; no homozygotes.

Submissions (3):

Molecular Diagnostic Laboratory for Inherited Cardiovascular Disease, Montreal Heart Institute
Classification: Uncertain significance for Cardiovascular phenotype. Last evaluated: 2025-04-09. Review status: criteria provided, single submitter. Criteria: ACMG Guidelines, 2015. Collection method: clinical testing. Allele origin: germline. Affected: yes.

All of Us Research Program, National Institutes of Health
Classification: Uncertain significance for Hypertrophic cardiomyopathy. Last evaluated: 2023-07-10. Review status: criteria provided, single submitter. Criteria: ACMG Guidelines, 2015. Collection method: clinical testing. Allele origin: germline. Inheritance: Autosomal dominant inheritance. Observed: 1 variant allele, 1 heterozygote.
Comment: This missense variant replaces valine with leucine at codon 203 of the MYBPC3 protein. Computational prediction suggests that this variant may not impact protein structure and function (internally defined REVEL score threshold <= 0.5, PMID: 27666373). To our knowledge, functional studies have not been reported for this variant. This variant has not been reported in individuals affected with MYBPC3-related disorders in the literature. This variant has been identified in 1/245028 chromosomes in the general population by the Genome Aggregation Database (gnomAD). The available evidence is insufficient to determine the role of this variant in disease conclusively. Therefore, this variant is classified as a Variant of Uncertain Significance.

This study involves interpretation of variants in research participants for the purpose of population health screening. Participant phenotype was not available at the time of variant classification. Additional details can be found in publication PMID: 35346344, PMCID: PMC8962531

Ambry Genetics
Classification: Uncertain significance for Cardiovascular phenotype. Last evaluated: 2022-06-06. Review status: criteria provided, single submitter. Criteria: Ambry Variant Classification Scheme 2023. Collection method: clinical testing. Allele origin: germline.
Comment: The p.V203L variant (also known as c.607G>C), located in coding exon 5 of the MYBPC3 gene, results from a G to C substitution at nucleotide position 607. The valine at codon 203 is replaced by leucine, an amino acid with highly similar properties. This amino acid position is conserved. In addition, this alteration is predicted to be tolerated by in silico analysis. Since supporting evidence is limited at this time, the clinical significance of this alteration remains unclear.